The following is an entry in ClinVar:

NM_001370466.1(NOD2):c.2671G>T (p.Ala891Ser)

Gene: NOD2 (nucleotide binding oligomerization domain containing 2; plus strand). Cytogenetic location: 16q12.1.
Variant type: single nucleotide variant.
Coding change: c.2671G>T on transcript NM_001370466.1 (MANE Select); coding-DNA position 2671, G replaced by T.
Protein change: p.Ala891Ser; replaces alanine 891 with serine.
Molecular consequence: missense variant. On other transcripts: non-coding transcript variant (1).
Genome position (GRCh38, 1-based): chr16:50,722,659, G>T. VCF-style: chr16-50722659-G-T. GRCh37 (hg19) VCF-style: chr16-50756570-G-T.
Other names: c.2671G>T, p.Ala891Ser (NM_001293557.2); c.2752G>T, p.Ala918Ser (NM_022162.3); short protein forms A891S, A918S.
Identifiers: ClinVar variation 1016934 (VCV001016934.47), dbSNP rs769395722, ClinGen allele CA395875143.

ClinVar aggregate classification (germline): Uncertain significance (1 of 4 stars; one submission).

Conditions:
Blau syndrome (BLAUS). Also called: GRANULOMATOSIS, FAMILIAL JUVENILE SYSTEMIC; GRANULOMATOSIS, FAMILIAL, BLAU TYPE; GRANULOMATOUS INFLAMMATORY ARTHRITIS, DERMATITIS, AND UVEITIS, FAMILIAL; JABS SYNDROME; ARTHROCUTANEOUVEAL GRANULOMATOSIS. Identifiers: Orphanet 90340, MedGen C5201146, MONDO:0008523, OMIM 186580.
Regional enteritis. Also called: Enteritis, Granulomatous. Identifiers: MedGen C0678202, MeSH D003424.

gnomAD v4.1: 8 of 1,614,112 alleles (0.0005%); highest among the groups gnomAD compares: Middle Eastern, 0.016%; no homozygotes.

Submission:

Labcorp Genetics (formerly Invitae), Labcorp
Classification: Uncertain significance for Regional enteritis; Blau syndrome. Last evaluated: 2024-08-31. Review status: criteria provided, single submitter. Criteria: Invitae Variant Classification Sherloc (09022015). Collection method: clinical testing. Allele origin: germline.
Comment: This sequence change replaces alanine, which is neutral and non-polar, with serine, which is neutral and polar, at codon 918 of the NOD2 protein (p.Ala918Ser). This variant is not present in population databases (gnomAD no frequency). This variant has not been reported in the literature in individuals affected with NOD2-related conditions. ClinVar contains an entry for this variant (Variation ID: 1016934). Invitae Evidence Modeling of protein sequence and biophysical properties (such as structural, functional, and spatial information, amino acid conservation, physicochemical variation, residue mobility, and thermodynamic stability) indicates that this missense variant is not expected to disrupt NOD2 protein function with a negative predictive value of 95%. In summary, the available evidence is currently insufficient to determine the role of this variant in disease. Therefore, it has been classified as a Variant of Uncertain Significance.